The following is an entry in ClinVar:

NM_005477.3(HCN4):c.3184C>G (p.Pro1062Ala)

Gene: HCN4 (hyperpolarization activated cyclic nucleotide gated potassium channel 4; minus strand). Cytogenetic location: 15q24.1.
Variant type: single nucleotide variant.
Coding change: c.3184C>G on transcript NM_005477.3 (MANE Select); coding-DNA position 3184, C replaced by G.
Protein change: p.Pro1062Ala; replaces proline 1062 with alanine.
Molecular consequence: missense variant.
Genome position (GRCh38, 1-based): chr15:73,322,909, G>C on the plus strand (C>G on the coding strand, the complement: HCN4 is on the minus strand). VCF-style: chr15-73322909-G-C. GRCh37 (hg19) VCF-style: chr15-73615250-G-C.
Other names: short protein forms P1062A.
Identifiers: ClinVar variation 2565009 (VCV002565009.2), dbSNP rs2042870785, ClinGen allele CA393086053.

ClinVar aggregate classification (germline): Uncertain significance (1 of 4 stars; one submission).

Conditions:
Cardiovascular phenotype. Identifiers: MedGen CN230736.

Submission:

Ambry Genetics
Classification: Uncertain significance for Cardiovascular phenotype. Last evaluated: 2023-04-14. Review status: criteria provided, single submitter. Criteria: Ambry Variant Classification Scheme 2023. Collection method: clinical testing. Allele origin: germline.
Comment: The p.P1062A variant (also known as c.3184C>G), located in coding exon 8 of the HCN4 gene, results from a C to G substitution at nucleotide position 3184. The proline at codon 1062 is replaced by alanine, an amino acid with highly similar properties. This amino acid position is conserved. In addition, the in silico prediction for this alteration is inconclusive. Since supporting evidence is limited at this time, the clinical significance of this alteration remains unclear.